The following is an entry in ClinVar:

NM_170707.4(LMNA):c.118G>A (p.Asp40Asn)

Gene: LMNA (lamin A/C; plus strand). Cytogenetic location: 1q22.
Variant type: single nucleotide variant.
Coding change: c.118G>A on transcript NM_170707.4 (MANE Select); coding-DNA position 118, G replaced by A.
Protein change: p.Asp40Asn; replaces aspartic acid 40 with asparagine.
Molecular consequence: missense variant. On other transcripts: 5 prime UTR variant (8), intron variant (2).
Genome position (GRCh38, 1-based): chr1:156,115,036, G>A. VCF-style: chr1-156115036-G-A. GRCh37 (hg19) VCF-style: chr1-156084827-G-A.
Other names: c.-547G>A (NM_001407000.1, NM_001406994.1); c.-390G>A (NM_001407001.1); c.-284G>A (NM_001407002.1, NM_001406990.1, NM_001406995.1); c.118G>A, p.Asp40Asn (NM_005572.4, NM_170708.4, NM_001282625.2 and 6 more transcripts); c.-203+8213G>A (NM_001406993.1, NM_001407003.1); c.-306G>A (NM_001406986.1); c.-727G>A (NM_001406999.1); short protein forms D40N.
Identifiers: ClinVar variation 2785885 (VCV002785885.3), dbSNP rs2527831124, ClinGen allele CA342807704.

ClinVar aggregate classification (germline): Uncertain significance (1 of 4 stars; one submission).

Conditions:
Charcot-Marie-Tooth disease type 2. Also called: Charcot-Marie-Tooth type 2. Identifiers: Orphanet 64746, MedGen C0270914, MONDO:0018993.

Submission:

Labcorp Genetics (formerly Invitae), Labcorp
Classification: Uncertain significance for Charcot-Marie-Tooth disease type 2. Last evaluated: 2023-03-27. Review status: criteria provided, single submitter. Criteria: Invitae Variant Classification Sherloc (09022015). Collection method: clinical testing. Allele origin: germline.
Comment: This sequence change replaces aspartic acid, which is acidic and polar, with asparagine, which is neutral and polar, at codon 40 of the LMNA protein (p.Asp40Asn). This variant is not present in population databases (gnomAD no frequency). This variant has not been reported in the literature in individuals affected with LMNA-related conditions. Advanced modeling of protein sequence and biophysical properties (such as structural, functional, and spatial information, amino acid conservation, physicochemical variation, residue mobility, and thermodynamic stability) performed at Invitae indicates that this missense variant is expected to disrupt LMNA protein function. In summary, the available evidence is currently insufficient to determine the role of this variant in disease. Therefore, it has been classified as a Variant of Uncertain Significance.